The following is an entry in ClinVar:

NM_001348323.3(TRIP12):c.5904-3T>C

Gene: TRIP12 (thyroid hormone receptor interactor 12; minus strand). Cytogenetic location: 2q36.3.
Variant type: single nucleotide variant.
Coding change: c.5904-3T>C on transcript NM_001348323.3 (MANE Select); 3 bases into the intron before coding-DNA position 5904, T replaced by C.
Molecular consequence: intron variant.
Genome position (GRCh38, 1-based): chr2:229,768,722, A>G on the plus strand (T>C on the coding strand, the complement: TRIP12 is on the minus strand). VCF-style: chr2-229768722-A-G. GRCh37 (hg19) VCF-style: chr2-230633438-A-G.
Other names: c.4869-3T>C (NM_001284216.2); c.5679-3T>C (NM_004238.3); c.5682-3T>C (NM_001348331.1); c.5763-3T>C (NM_001348317.1, NM_001348318.2); c.5778-3T>C (NM_001284215.2, NM_001348316.2); c.5802-3T>C (NM_001348332.1); c.5823-3T>C (NM_001284214.2, NM_001348315.2); c.5889-3T>C (NM_001348319.1, NM_001348320.2); and 4 more.
Identifiers: ClinVar variation 3058770 (VCV003058770.15), dbSNP rs559750964, ClinGen allele CA2152194.

ClinVar aggregate classification (germline): Likely benign. Review status: criteria provided, single submitter (1 of 4 stars). 2 submissions from 2 submitters: Likely benign (1). 1 of the submissions does not count toward it. Last evaluated 2025-01-01.

Conditions:
TRIP12-related disorder. Also called: TRIP12-related condition.

Allele frequency attached by ClinVar (database versions not stated): TOPMed 0.00004; gnomAD 0.00024; gnomAD exomes 0.00027; ExAC 0.00071; 1000 Genomes Project 30x 0.00094; 1000 Genomes Project 0.00100.
gnomAD v4.1: 425 of 1,600,816 alleles (0.027%); highest among the groups gnomAD compares: South Asian, 0.45%; 5 homozygotes.

Submissions (2):

CeGaT Center for Human Genetics Tuebingen
Classification: Likely benign. Last evaluated: 2025-01-01. Review status: criteria provided, single submitter. Criteria: CeGaT Center For Human Genetics Tuebingen Variant Classification Criteria Version 2. Collection method: clinical testing. Allele origin: germline. Affected: yes. Observed: 1 variant allele.
Comment: TRIP12: BP4, BS1

PreventionGenetics, part of Exact Sciences
Classification: Benign for TRIP12-related condition. Last evaluated: 2024-02-22. Review status: no assertion criteria provided. Collection method: clinical testing. Allele origin: germline. Not counted in ClinVar's aggregate classification.
Comment: This variant is classified as benign based on ACMG/AMP sequence variant interpretation guidelines (Richards et al. 2015 PMID: 25741868, with internal and published modifications).